The following is an entry in ClinVar:

NM_000760.4(CSF3R):c.740G>C (p.Gly247Ala)

Gene: CSF3R (colony stimulating factor 3 receptor; minus strand). Cytogenetic location: 1p34.3.
Variant type: single nucleotide variant.
Coding change: c.740G>C on transcript NM_000760.4 (MANE Select); coding-DNA position 740, G replaced by C.
Protein change: p.Gly247Ala; replaces glycine 247 with alanine.
Molecular consequence: missense variant.
Genome position (GRCh38, 1-based): chr1:36,472,620, C>G on the plus strand (G>C on the coding strand, the complement: CSF3R is on the minus strand). VCF-style: chr1-36472620-C-G. GRCh37 (hg19) VCF-style: chr1-36938221-C-G.
Other names: c.740G>C, p.Gly247Ala (NM_156039.3, NM_172313.3); short protein forms G247A.
Identifiers: ClinVar variation 1716172 (VCV001716172.5), dbSNP rs2124124245, ClinGen allele CA339423068.

ClinVar aggregate classification (germline): Uncertain significance (1 of 4 stars; one submission).

Conditions:
Autosomal recessive severe congenital neutropenia due to CSF3R deficiency. Also called: Neutropenia, severe congenital, 7, autosomal recessive. Identifiers: Orphanet 420702, MedGen C4310764, MONDO:0014865, OMIM 617014.

gnomAD v4.1: 1 of 1,612,596 alleles (0.000062%); no homozygotes.

Submission:

Labcorp Genetics (formerly Invitae), Labcorp
Classification: Uncertain significance for Autosomal recessive severe congenital neutropenia due to CSF3R deficiency. Last evaluated: 2022-08-12. Review status: criteria provided, single submitter. Criteria: Invitae Variant Classification Sherloc (09022015). Collection method: clinical testing. Allele origin: germline.
Comment: Algorithms developed to predict the effect of missense changes on protein structure and function are either unavailable or do not agree on the potential impact of this missense change (SIFT: "Tolerated"; PolyPhen-2: "Possibly Damaging"; Align-GVGD: "Class C0"). In summary, the available evidence is currently insufficient to determine the role of this variant in disease. Therefore, it has been classified as a Variant of Uncertain Significance. This variant has not been reported in the literature in individuals affected with CSF3R-related conditions. This variant is not present in population databases (gnomAD no frequency). This sequence change replaces glycine, which is neutral and non-polar, with alanine, which is neutral and non-polar, at codon 247 of the CSF3R protein (p.Gly247Ala).